The following is an entry in ClinVar:

ClinVar aggregate classification (germline): Benign. Review status: criteria provided, multiple submitters, no conflicts (2 of 4 stars). 2 submissions from 2 submitters: Benign (2). Last evaluated 2026-09-01.

Allele frequency attached by ClinVar (database versions not stated): 1000 Genomes Project 0.00240; 1000 Genomes Project 30x 0.00250; ExAC 0.00567; gnomAD exomes 0.00584 and 0.01154; gnomAD 0.00712 and 0.00730; TOPMed 0.00719; ESP Exome Variant Server 0.00984.
gnomAD v4.1: 17,870 of 1,614,154 alleles (1.1%); highest among the groups gnomAD compares: Non-Finnish European, 1.4%; 134 homozygotes.

Submissions (2):

CeGaT Center for Human Genetics Tuebingen
Classification: Benign. Last evaluated: 2026-09-01. Review status: criteria provided, single submitter. Criteria: CeGaT Center For Human Genetics Tuebingen Variant Classification Criteria Version 2. Collection method: clinical testing. Allele origin: germline. Affected: yes. Observed: 23 variant alleles.
Comment: GTPBP2: BP4, BS1, BS2

Labcorp Genetics (formerly Invitae), Labcorp
Classification: Benign. Last evaluated: 2026-01-20. Review status: criteria provided, single submitter. Criteria: Invitae Variant Classification Sherloc (09022015). Collection method: clinical testing. Allele origin: germline.

NM_019096.5(GTPBP2):c.1743C>T (p.Gly581=)

Gene: GTPBP2 (GTP binding protein 2; minus strand). Cytogenetic location: 6p21.1.
Variant type: single nucleotide variant.
Coding change: c.1743C>T on transcript NM_019096.5 (MANE Select); coding-DNA position 1743, C replaced by T.
Protein change: p.Gly581=; no amino-acid change (glycine 581 retained).
Molecular consequence: synonymous variant.
Genome position (GRCh38, 1-based): chr6:43,621,680, G>A on the plus strand (C>T on the coding strand, the complement: GTPBP2 is on the minus strand). VCF-style: chr6-43621680-G-A. GRCh37 (hg19) VCF-style: chr6-43589417-G-A.
Other names: c.1479C>T, p.Gly493= (NM_001286216.2).
Identifiers: ClinVar variation 789287 (VCV000789287.40), dbSNP rs72859026, ClinGen allele CA3827458.
Genomic context (GRCh38, chr6:43,621,680, plus strand): 5'-GCCCATGTTGGCCTGGGCTTCTCCTGCTGTAATGGCTTGTACATCAGTGACATGGCCGAT[G>A]CCCTTGGTGACACCCTCCCGGAACAGCAGTTTGGCGCCCACCTTCAGGTACTCTGGGTGT-3'
Protein context (NP_061969.3, residues 571-591): KLLFREGVTK[Gly581=]IGHVTDVQAI